The following is an entry in ClinVar:

NM_004369.4(COL6A3):c.7163-36G>A

Gene: COL6A3 (collagen type VI alpha 3 chain; minus strand). Cytogenetic location: 2q37.3.
Variant type: single nucleotide variant.
Coding change: c.7163-36G>A on transcript NM_004369.4 (MANE Select); 36 bases into the intron before coding-DNA position 7163, G replaced by A.
Molecular consequence: intron variant.
Genome position (GRCh38, 1-based): chr2:237,344,988, C>T on the plus strand (G>A on the coding strand, the complement: COL6A3 is on the minus strand). VCF-style: chr2-237344988-C-T. GRCh37 (hg19) VCF-style: chr2-238253631-C-T.
Other names: c.5342-36G>A (NM_057166.5); c.6545-36G>A (NM_057167.4).
Identifiers: ClinVar variation 3046885 (VCV003046885.2), dbSNP rs370148505, ClinGen allele CA2187884.

ClinVar aggregate classification (germline): Likely benign (0 of 4 stars; one submission).

Conditions:
COL6A3-related disorder. Also called: COL6A3-related disorders; COL6A3-related condition.

Allele frequency attached by ClinVar (database versions not stated): gnomAD exomes 0.00003; gnomAD 0.00004; TOPMed 0.00008; ExAC 0.00015; 1000 Genomes Project 30x 0.00016; 1000 Genomes Project 0.00020.
gnomAD v4.1: 89 of 1,614,198 alleles (0.0055%); highest among the groups gnomAD compares: East Asian, 0.11%; 1 homozygote.

Submission:

PreventionGenetics, part of Exact Sciences
Classification: Likely benign for COL6A3-related condition. Last evaluated: 2023-08-02. Review status: no assertion criteria provided. Collection method: clinical testing. Allele origin: germline.
Comment: This variant is classified as likely benign based on ACMG/AMP sequence variant interpretation guidelines (Richards et al. 2015 PMID: 25741868, with internal and published modifications).